The following is an entry in ClinVar:

ClinVar aggregate classification (germline): Benign (1 of 4 stars; one submission).

Conditions:
Leigh syndrome (NULS). Also called: Leigh's necrotizing encephalopathy; Leigh's disease; Leigh's syndrome; LEIGH SYNDROME, NUCLEAR; Leigh Syndrome (mtDNA deletion); Leigh Disease. Identifiers: Orphanet 506, MedGen C2931891, MONDO:0009723, OMIM 256000.

Submission:

Wong Mito Lab, Molecular and Human Genetics, Baylor College of Medicine
Classification: Benign for Leigh syndrome. Last evaluated: 2019-10-17. Review status: criteria provided, single submitter. Criteria: Modified ACMG Guidelines (Unpublished). Collection method: clinical testing. Allele origin: germline.
Comment: The NC_012920.1:m.15851A>G (YP_003024038.1:p.Ile369Val) variant in MTCYB gene is interpretated to be a Benign variant based on the modified ACMG guidelines (unpublished). This variant meets the following evidence codes: BS1, BS2, BP4

NC_012920.1(MT-CYB):m.15851A>G

Gene: MT-CYB (mitochondrially encoded cytochrome b; plus strand).
Variant type: single nucleotide variant.
Genome position: chrM-15851-A-G.
Identifiers: ClinVar variation 693966 (VCV000693966.1), dbSNP rs3094281, ClinGen allele CA337100548.